The following is an entry in ClinVar:

NM_001308093.3(GATA4):c.-1del

Gene: GATA4 (GATA binding protein 4). Cytogenetic location: 8p23.1.
Variant type: Deletion.
Coding change: c.-1del on transcript NM_001308093.3 (MANE Select); 1 bases upstream of the start codon, one base deleted.
Molecular consequence: 5 prime UTR variant. On other transcripts: intron variant (3).
Genome position: GRCh38 VCF-style: chr8-11708310-AC-A. GRCh37 (hg19) VCF-style: chr8-11565819-AC-A.
Other names: c.-1del (NM_002052.5); c.-6+7534del (NM_001308094.2); c.-3+298del (NM_001374274.1); c.-3+4008del (NM_001374273.1).
Identifiers: ClinVar variation 4536268 (VCV004536268.1).

ClinVar aggregate classification (germline): Uncertain significance (1 of 4 stars; one submission).

Submission:

GeneDx
Classification: Uncertain significance. Last evaluated: 2025-06-02. Review status: criteria provided, single submitter. Criteria: GeneDx Variant Classification Process June 2021. Collection method: clinical testing. Allele origin: germline. Affected: yes.
Comment: Alters the Kozak sequence, which plays a major role in the initiation of translation; Nucleotide is not conserved across species and the substitution has no predicted effect on splicing; Not observed at significant frequency in large population cohorts (gnomAD); Has not been previously published as pathogenic or benign to our knowledge